The following is an entry in ClinVar:

NM_001127392.3(MYRF):c.2103C>A (p.Arg701=)

Gene: MYRF (myelin regulatory factor; plus strand). Cytogenetic location: 11q12.2.
Variant type: single nucleotide variant.
Coding change: c.2103C>A on transcript NM_001127392.3 (MANE Select); coding-DNA position 2103, C replaced by A.
Protein change: p.Arg701=; no amino-acid change (arginine 701 retained).
Molecular consequence: synonymous variant.
Genome position (GRCh38, 1-based): chr11:61,779,352, C>A. VCF-style: chr11-61779352-C-A. GRCh37 (hg19) VCF-style: chr11-61546824-C-A.
Other names: c.2076C>A, p.Arg692= (NM_013279.4).
Identifiers: ClinVar variation 1337720 (VCV001337720.4), dbSNP rs2135856889, ClinGen allele CA474805163.

ClinVar aggregate classification (germline): Uncertain significance (1 of 4 stars; one submission).

Submission:

Genetic Services Laboratory, University of Chicago
Classification: Uncertain significance. Last evaluated: 2020-08-19. Review status: criteria provided, single submitter. Criteria: ACMG Guidelines, 2015. Collection method: clinical testing. Allele origin: germline. Affected: no.
Comment: DNA sequence analysis of the MYRF gene demonstrated a sequence change, c.2103C>A, in exon 15 which does not result in an amino acid change. This sequence change does not appear to have been previously described in patients with MYRF-related disorders. This sequence change is absent from the gnomAD database. This sequence change is not predicted to have a deleterious effect on splicing based on in silico splice prediction programs. As the c.2103C>A sequence change does not result in a change in the MYRF amino acid sequence, it is possible that this change is non-pathogenic and represents a benign sequence variant of the MYRF gene, however functional studies have not been performed to prove this conclusively. The functional significance of this sequence change is not known at present and its contribution to this patient's fetus disease phenotype cannot definitively be determined.